The following is an entry in ClinVar:

ClinVar aggregate classification (germline): Uncertain significance (1 of 4 stars; one submission).

Allele frequency attached by ClinVar (database versions not stated): ExAC 0.00001.
gnomAD v4.1: 2 of 1,614,100 alleles (0.00012%); highest among the groups gnomAD compares: Non-Finnish European, 0.00017%; no homozygotes.

Submission:

Labcorp Genetics (formerly Invitae), Labcorp
Classification: Uncertain significance. Last evaluated: 2024-05-06. Review status: criteria provided, single submitter. Criteria: Invitae Variant Classification Sherloc (09022015). Collection method: clinical testing. Allele origin: germline.
Comment: This sequence change replaces proline, which is neutral and non-polar, with threonine, which is neutral and polar, at codon 381 of the KLB protein (p.Pro381Thr). This variant is present in population databases (rs760929802, gnomAD 0.0009%). This variant has not been reported in the literature in individuals affected with KLB-related conditions. Advanced modeling of protein sequence and biophysical properties (such as structural, functional, and spatial information, amino acid conservation, physicochemical variation, residue mobility, and thermodynamic stability) has been performed at Invitae for this missense variant, however the output from this modeling did not meet the statistical confidence thresholds required to predict the impact of this variant on KLB protein function. In summary, the available evidence is currently insufficient to determine the role of this variant in disease. Therefore, it has been classified as a Variant of Uncertain Significance.

NM_175737.4(KLB):c.1141C>A (p.Pro381Thr)

Gene: KLB (klotho beta; plus strand). Cytogenetic location: 4p14.
Variant type: single nucleotide variant.
Coding change: c.1141C>A on transcript NM_175737.4 (MANE Select); coding-DNA position 1141, C replaced by A.
Protein change: p.Pro381Thr; replaces proline 381 with threonine.
Molecular consequence: missense variant.
Genome position (GRCh38, 1-based): chr4:39,434,525, C>A. VCF-style: chr4-39434525-C-A. GRCh37 (hg19) VCF-style: chr4-39436145-C-A.
Other names: short protein forms P381T.
Identifiers: ClinVar variation 2983913 (VCV002983913.3), dbSNP rs760929802, ClinGen allele CA2893774.